The following is an entry in ClinVar:

NM_001384900.1(SEMA3D):c.1414+8A>G

Gene: SEMA3D (semaphorin 3D; minus strand). Cytogenetic location: 7q21.11.
Variant type: single nucleotide variant.
Coding change: c.1414+8A>G on transcript NM_001384900.1 (MANE Select); 8 bases into the intron after coding-DNA position 1414, A replaced by G.
Molecular consequence: intron variant.
Genome position (GRCh38, 1-based): chr7:85,022,383, T>C on the plus strand (A>G on the coding strand, the complement: SEMA3D is on the minus strand). VCF-style: chr7-85022383-T-C. GRCh37 (hg19) VCF-style: chr7-84651699-T-C.
Other names: c.1414+8A>G (NM_001384901.1, NM_001384903.1, NM_001384902.1 and 1 more transcripts).
Identifiers: ClinVar variation 5001340 (VCV005001340.1).

ClinVar aggregate classification (germline): Likely benign (1 of 4 stars; one submission).

Conditions:
SEMA3D-related disorder. Also called: SEMA3D-related condition.

Submission:

PreventionGenetics, part of Exact Sciences
Classification: Likely benign for SEMA3D-related condition. Last evaluated: 2025-08-04. Review status: criteria provided, single submitter. Criteria: ACMG Guidelines, 2015. Collection method: clinical testing. Allele origin: germline.
Comment: This variant is classified as likely benign based on ACMG/AMP sequence variant interpretation guidelines (Richards et al. 2015 PMID: 25741868, with internal and published modifications).